The following is an entry in ClinVar:

ClinVar aggregate classification (germline): Uncertain significance (1 of 4 stars; one submission).

Conditions:
Tuberous sclerosis 2 (TSC2). Identifiers: Orphanet 805, MedGen C1860707, MONDO:0013199, OMIM 613254.

Submission:

Labcorp Genetics (formerly Invitae), Labcorp
Classification: Uncertain significance for Tuberous sclerosis 2. Last evaluated: 2025-02-24. Review status: criteria provided, single submitter. Criteria: Invitae Variant Classification Sherloc (09022015). Collection method: clinical testing. Allele origin: germline.
Comment: This variant, c.2025_2042del, results in the deletion of 6 amino acid(s) of the TSC2 protein (p.Pro677_Gly682del), but otherwise preserves the integrity of the reading frame. This variant is not present in population databases (gnomAD no frequency). This variant has not been reported in the literature in individuals affected with TSC2-related conditions. Experimental studies and prediction algorithms are not available or were not evaluated, and the functional significance of this variant is currently unknown. In summary, the available evidence is currently insufficient to determine the role of this variant in disease. Therefore, it has been classified as a Variant of Uncertain Significance.

NM_000548.5(TSC2):c.2025_2042del (p.Pro677_Gly682del)

Gene: TSC2 (TSC complex subunit 2; plus strand). Cytogenetic location: 16p13.3.
Variant type: Deletion.
Coding change: c.2025_2042del on transcript NM_000548.5 (MANE Select); coding-DNA positions 2025 to 2042, 18 bases deleted (AGGCCCCGCCGTGCGGCT).
Protein change: p.Pro677_Gly682del.
Molecular consequence: inframe deletion. On other transcripts: non-coding transcript variant (5).
Genome position (GRCh38, 1-based): chr16:2,071,862-2,071,879, AGGCCCCGCCGTGCGGCT deleted. VCF-style (leftmost placement, unchanged base first): chr16-2071861-CAGGCCCCGCCGTGCGGCT-C. GRCh37 (hg19) VCF-style: chr16-2121862-CAGGCCCCGCCGTGCGGCT-C.
Other names: c.2025_2042del, p.Pro677_Gly682del (NM_001077183.3, NM_001114382.3, NM_001363528.2 and 6 more transcripts); c.1914_1931del, p.Pro640_Gly645del (NM_001318827.2, NM_001406670.1, NM_001406678.1); c.1878_1895del, p.Pro628_Gly633del (NM_001318829.2, NM_001406676.1, NM_001406675.1 and 1 more transcripts); c.1425_1442del, p.Pro477_Gly482del (NM_001318831.2, NM_001406680.1, NM_001406682.1 and 6 more transcripts); c.2058_2075del, p.Pro688_Gly693del (NM_001318832.2); c.2115_2132del, p.Pro707_Gly712del (NM_001406667.1, NM_001406668.1); c.2013_2030del, p.Pro673_Gly678del (NM_001406671.1, NM_001406673.1); c.1968_1985del, p.Pro658_Gly663del (NM_001406677.1); and 3 more.
Identifiers: ClinVar variation 4712826 (VCV004712826.1).
Genomic context (GRCh38, chr16:2,071,861, plus strand): 5'-CTGAGAAGAAGACCAGCGGCCCCCTTTCTCCTCCCACAGGGCCTCCTGGCCCGGCGCCTG[CAGGCCCCGCCGTGCGGCT>C]GGGGTCCGTGCCCTACTCCCTGCTCTTCCGCGTCCTGCTGCAGTGCTTGAAGCAGGTGAG-3'